The following is an entry in ClinVar:

NM_013432.5(TONSL):c.2551C>T (p.Arg851Trp)

Genes: TONSL (tonsoku like, DNA repair protein; minus strand), TONSL-AS1 (TONSL antisense RNA 1; plus strand). Cytogenetic location: 8q24.3.
Variant type: single nucleotide variant.
Coding change: c.2551C>T on transcript NM_013432.5 (MANE Select); coding-DNA position 2551, C replaced by T.
Protein change: p.Arg851Trp; replaces arginine 851 with tryptophan.
Molecular consequence: missense variant.
Genome position (GRCh38, 1-based): chr8:144,435,882, G>A on the plus strand (C>T on the coding strand, the complement: TONSL is on the minus strand). VCF-style: chr8-144435882-G-A. GRCh37 (hg19) VCF-style: chr8-145661265-G-A.
Other names: c.2551C>T (NM_013432.4); short protein forms R851W.
Identifiers: ClinVar variation 1406142 (VCV001406142.6), dbSNP rs533837771, ClinGen allele CA4942785.

ClinVar aggregate classification (germline): Uncertain significance. Review status: criteria provided, multiple submitters, no conflicts (2 of 4 stars). 2 submissions from 2 submitters: Uncertain significance (2). Last evaluated 2023-02-23.

Conditions:
Inborn genetic diseases. Identifiers: MedGen C0950123, MeSH D030342.

Allele frequency attached by ClinVar (database versions not stated): gnomAD 0.00005 and 0.00008; TOPMed 0.00005; gnomAD exomes 0.00009 and 0.00024; 1000 Genomes Project 30x 0.00016; 1000 Genomes Project 0.00020; ExAC 0.00030.
gnomAD v4.1: 149 of 1,599,944 alleles (0.0093%); highest among the groups gnomAD compares: South Asian, 0.092%; no homozygotes.

Submissions (2):

Ambry Genetics
Classification: Uncertain significance for Inborn genetic diseases. Last evaluated: 2023-02-23. Review status: criteria provided, single submitter. Criteria: Ambry Variant Classification Scheme 2023. Collection method: clinical testing. Allele origin: germline.

Labcorp Genetics (formerly Invitae), Labcorp
Classification: Uncertain significance. Last evaluated: 2022-08-06. Review status: criteria provided, single submitter. Criteria: Invitae Variant Classification Sherloc (09022015). Collection method: clinical testing. Allele origin: germline.
Comment: This sequence change replaces arginine, which is basic and polar, with tryptophan, which is neutral and slightly polar, at codon 851 of the TONSL protein (p.Arg851Trp). This variant is present in population databases (rs533837771, gnomAD 0.2%). This variant has not been reported in the literature in individuals affected with TONSL-related conditions. ClinVar contains an entry for this variant (Variation ID: 1406142). Algorithms developed to predict the effect of missense changes on protein structure and function are either unavailable or do not agree on the potential impact of this missense change (SIFT: "Deleterious"; PolyPhen-2: "Benign"; Align-GVGD: "Class C0"). In summary, the available evidence is currently insufficient to determine the role of this variant in disease. Therefore, it has been classified as a Variant of Uncertain Significance.